The following is an entry in ClinVar:

NM_021619.3(PRDM12):c.46G>C (p.Gly16Arg)

Gene: PRDM12 (PR/SET domain 12; plus strand). Cytogenetic location: 9q34.12.
Variant type: single nucleotide variant.
Coding change: c.46G>C on transcript NM_021619.3 (MANE Select); coding-DNA position 46, G replaced by C.
Protein change: p.Gly16Arg; replaces glycine 16 with arginine.
Molecular consequence: missense variant.
Genome position (GRCh38, 1-based): chr9:130,664,699, G>C. VCF-style: chr9-130664699-G-C. GRCh37 (hg19) VCF-style: chr9-133540086-G-C.
Other names: c.46G>C (NM_021619.2); short protein forms G16R.
Identifiers: ClinVar variation 1356596 (VCV001356596.7), dbSNP rs759815395, ClinGen allele CA5284451.

ClinVar aggregate classification (germline): Uncertain significance. Review status: criteria provided, multiple submitters, no conflicts (2 of 4 stars). 3 submissions from 3 submitters: Uncertain significance (3). Last evaluated 2026-01-19.

Conditions:
Inborn genetic diseases. Identifiers: MedGen C0950123, MeSH D030342.
Congenital insensitivity to pain-hypohidrosis syndrome. Also called: HSAN VIII; Neuropathy, hereditary sensory and autonomic, type VIII. Identifiers: Orphanet 478664, MedGen C4225308, MONDO:0014662, OMIM 616488.

Allele frequency attached by ClinVar (database versions not stated): ExAC 0.00003.
gnomAD v4.1: 19 of 1,601,590 alleles (0.0012%); highest among the groups gnomAD compares: Non-Finnish European, 0.0015%; no homozygotes.

Submissions (3):

Women's Health and Genetics/Laboratory Corporation of America, LabCorp
Classification: Uncertain significance. Last evaluated: 2026-01-19. Review status: criteria provided, single submitter. Criteria: LabCorp Variant Classification Summary - May 2015. Collection method: clinical testing. Allele origin: germline.
Comment: Variant summary: PRDM12 c.46G>C (p.Gly16Arg) results in a non-conservative amino acid change in the encoded protein sequence. Algorithms developed to predict the effect of missense changes on protein structure and function are either unavailable or do not agree on the potential impact of this missense change. The variant allele was found at a frequency of 2.6e-05 in 234894 control chromosomes. The available data on variant occurrences in the general population are insufficient to allow any conclusion about variant significance. To our knowledge, no occurrence of c.46G>C in individuals affected with PRDM12-related conditions and no experimental evidence demonstrating its impact on protein function have been reported. ClinVar contains an entry for this variant (Variation ID: 1356596). Based on the evidence outlined above, the variant was classified as uncertain significance.

Ambry Genetics
Classification: Uncertain significance for Inborn genetic diseases. Last evaluated: 2025-08-29. Review status: criteria provided, single submitter. Criteria: Ambry Variant Classification Scheme 2023. Collection method: clinical testing. Allele origin: germline.

Labcorp Genetics (formerly Invitae), Labcorp
Classification: Uncertain significance for Congenital insensitivity to pain-hypohidrosis syndrome. Last evaluated: 2021-09-01. Review status: criteria provided, single submitter. Criteria: Invitae Variant Classification Sherloc (09022015). Collection method: clinical testing. Allele origin: germline.
Comment: This sequence change replaces glycine with arginine at codon 16 of the PRDM12 protein (p.Gly16Arg). The glycine residue is moderately conserved and there is a moderate physicochemical difference between glycine and arginine. This variant is present in population databases (rs759815395, ExAC 0.006%). This variant has not been reported in the literature in individuals affected with PRDM12-related conditions. Algorithms developed to predict the effect of missense changes on protein structure and function are either unavailable or do not agree on the potential impact of this missense change (SIFT: "Deleterious"; PolyPhen-2: "Possibly Damaging"; Align-GVGD: "Class C0"). In summary, the available evidence is currently insufficient to determine the role of this variant in disease. Therefore, it has been classified as a Variant of Uncertain Significance.